The following is an entry in ClinVar:

NM_001267550.2(TTN):c.89553del (p.Ala29853fs)

Genes: TTN (titin; minus strand), TTN-AS1 (TTN antisense RNA 1; plus strand). Cytogenetic location: 2q31.2.
Variant type: Deletion.
Coding change: c.89553del on transcript NM_001267550.2 (MANE Select); coding-DNA position 89553, one base deleted (C; older notation c.89553delC).
Protein change: p.Ala29853fs; shifts the reading frame from alanine 29853.
Molecular consequence: frameshift variant.
Genome position (GRCh38, 1-based): chr2:178,553,347, G deleted on the plus strand (C on the coding strand, the reverse complement: TTN is on the minus strand); the first of 2 consecutive G bases (chr2:178,553,347-178,553,348); deleting either gives the same sequence. VCF-style (leftmost placement, unchanged base first): chr2-178553346-TG-T. GRCh37 (hg19) VCF-style: chr2-179418073-TG-T.
Other names: p.Ala28212Leufs*8; c.84630del, p.Ala28212fs (NM_001256850.1); c.62358del, p.Ala20788fs (NM_003319.4); c.81849del, p.Ala27285fs (NM_133378.4); c.62733del, p.Ala20913fs (NM_133432.3); c.62934del, p.Ala20980fs (NM_133437.4); short protein forms A20788fs, A27285fs, A20980fs, A29853fs, A28212fs, A20913fs.
Identifiers: ClinVar variation 636868 (VCV000636868.10), dbSNP rs1575529262, ClinGen allele CA915942180.

ClinVar aggregate classification (germline): Likely pathogenic. Review status: criteria provided, multiple submitters, no conflicts (2 of 4 stars). 3 submissions from 3 submitters: Likely pathogenic (3). Last evaluated 2025-03-05.

Conditions:
TTN-related disorder. Also called: TTN-related condition; TTN-related disease; TTN-related disorders.
Dilated cardiomyopathy 1G (CMD1G). Identifiers: Orphanet 154, MedGen C1858763, MONDO:0011400, OMIM 604145.
Autosomal recessive limb-girdle muscular dystrophy type 2J (LGMDR10). Also called: Limb-girdle muscular dystrophy, type 2J; MUSCULAR DYSTROPHY, LIMB-GIRDLE, AUTOSOMAL RECESSIVE 10. Identifiers: Orphanet 140922, MedGen C1837342, MONDO:0012127, OMIM 608807.

Submissions (3):

Labcorp Genetics (formerly Invitae), Labcorp
Classification: Likely pathogenic for Dilated cardiomyopathy 1G; Autosomal recessive limb-girdle muscular dystrophy type 2J. Last evaluated: 2025-03-05. Review status: criteria provided, single submitter. Criteria: Invitae Variant Classification Sherloc (09022015). Collection method: clinical testing. Allele origin: germline.
Comment: This sequence change creates a premature translational stop signal (p.Ala29853Leufs*8) in the TTN gene. While this is not anticipated to result in nonsense mediated decay, it is expected to create a truncated TTN protein. This variant is not present in population databases (gnomAD no frequency). This premature translational stop signal has been observed in individual(s) with dilated cardiomyopathy (PMID: 35653365). ClinVar contains an entry for this variant (Variation ID: 636868). This variant is located in the A band of TTN (PMID: 25589632). Truncating variants in this region are significantly overrepresented in patients affected with dilated cardiomyopathy (PMID: 25589632). Truncating variants in this region have also been reported in individuals affected with autosomal recessive centronuclear myopathy (PMID: 23975875). In summary, the currently available evidence indicates that the variant is pathogenic, but additional data are needed to prove that conclusively. Therefore, this variant has been classified as Likely Pathogenic.

Mayo Clinic Laboratories, Mayo Clinic
Classification: Likely pathogenic. Last evaluated: 2021-11-23. Review status: criteria provided, single submitter. Criteria: ACMG Guidelines, 2015. Collection method: clinical testing. Allele origin: germline.
Comment: PM2_supporting, PVS1

Blueprint Genetics
Classification: Likely pathogenic for TTN-related disorders. Last evaluated: 2019-08-15. Review status: criteria provided, single submitter. Criteria: ACMG Guidelines, 2015. Collection method: clinical testing. Allele origin: germline. Affected: yes. Observed: 2 variant alleles.

Literature cited by the submitters: PubMed 35653365 (cited by Labcorp Genetics (formerly Invitae), Labcorp); PubMed 25589632 (cited by Labcorp Genetics (formerly Invitae), Labcorp); PubMed 23975875 (cited by Labcorp Genetics (formerly Invitae), Labcorp).